The following is an entry in ClinVar:

ClinVar aggregate classification (germline): Uncertain significance (1 of 4 stars; one submission).

Submission:

GeneDx
Classification: Uncertain significance. Last evaluated: 2024-06-27. Review status: criteria provided, single submitter. Criteria: GeneDx Variant Classification Process June 2021. Collection method: clinical testing. Allele origin: germline. Affected: yes.
Comment: Not observed at significant frequency in large population cohorts (gnomAD); In silico analysis supports that this missense variant has a deleterious effect on protein structure/function; Has not been previously published as pathogenic or benign to our knowledge

NM_001098.3(ACO2):c.2021C>T (p.Ala674Val)

Genes: ACO2 (aconitase 2; plus strand), POLR3H (RNA polymerase III subunit H; minus strand). Cytogenetic location: 22q13.2.
Variant type: single nucleotide variant.
Coding change: c.2021C>T on transcript NM_001098.3 (MANE Select); coding-DNA position 2021, C replaced by T.
Protein change: p.Ala674Val; replaces alanine 674 with valine.
Molecular consequence: missense variant. On other transcripts: 3 prime UTR variant (5).
Genome position (GRCh38, 1-based): chr22:41,527,355, C>T. VCF-style: chr22-41527355-C-T. GRCh37 (hg19) VCF-style: chr22-41923359-C-T.
Other names: c.*1928G>A (NM_001018050.4, NM_001018052.4, NM_001282884.2 and 2 more transcripts); short protein forms A674V.
Identifiers: ClinVar variation 3392926 (VCV003392926.1).